The following is an entry in ClinVar:

ClinVar aggregate classification (germline): Uncertain significance (1 of 4 stars; one submission).

Allele frequency attached by ClinVar (database versions not stated): TOPMed below 0.00001; gnomAD 0.00001; gnomAD exomes 0.00001.
gnomAD v4.1: 15 of 1,606,236 alleles (0.00093%); highest among the groups gnomAD compares: South Asian, 0.0099%; no homozygotes.

Submission:

Labcorp Genetics (formerly Invitae), Labcorp
Classification: Uncertain significance. Last evaluated: 2022-05-03. Review status: criteria provided, single submitter. Criteria: Invitae Variant Classification Sherloc (09022015). Collection method: clinical testing. Allele origin: germline.
Comment: In summary, the available evidence is currently insufficient to determine the role of this variant in disease. Therefore, it has been classified as a Variant of Uncertain Significance. Algorithms developed to predict the effect of missense changes on protein structure and function output the following: SIFT: "Tolerated"; PolyPhen-2: "Benign"; Align-GVGD: "Class C0". The valine amino acid residue is found in multiple mammalian species, which suggests that this missense change does not adversely affect protein function. This variant has not been reported in the literature in individuals affected with RUSC2-related conditions. This variant is present in population databases (no rsID available, gnomAD 0.01%). This sequence change replaces alanine, which is neutral and non-polar, with valine, which is neutral and non-polar, at codon 871 of the RUSC2 protein (p.Ala871Val).

NM_014806.5(RUSC2):c.2612C>T (p.Ala871Val)

Gene: RUSC2 (RUN and SH3 domain containing 2; plus strand). Cytogenetic location: 9p13.3.
Variant type: single nucleotide variant.
Coding change: c.2612C>T on transcript NM_014806.5 (MANE Select); coding-DNA position 2612, C replaced by T.
Protein change: p.Ala871Val; replaces alanine 871 with valine.
Molecular consequence: missense variant. On other transcripts: 5 prime UTR variant (1), non-coding transcript variant (1).
Genome position (GRCh38, 1-based): chr9:35,555,657, C>T. VCF-style: chr9-35555657-C-T. GRCh37 (hg19) VCF-style: chr9-35555654-C-T.
Other names: c.2612C>T, p.Ala871Val (NM_001135999.2); c.-23C>T (NM_001330740.2); short protein forms A871V.
Identifiers: ClinVar variation 2132648 (VCV002132648.4), dbSNP rs1322510887, ClinGen allele CA373342864.